The following is an entry in ClinVar:

ClinVar aggregate classification (germline): Conflicting classifications of pathogenicity. Review status: criteria provided, conflicting classifications (1 of 4 stars). 4 submissions from 4 submitters: Uncertain significance (2); Benign (1). 1 of the submissions does not count toward it. Last evaluated 2025-08-31.

Conditions:
Inborn genetic diseases. Identifiers: MedGen C0950123, MeSH D030342.
Smith-Magenis syndrome (SMS). Also called: CHROMOSOME 17p11.2 DELETION SYNDROME. Identifiers: Orphanet 819, MedGen C0795864, MONDO:0008434, OMIM 182290.
RAI1-related disorder. Also called: RAI1-related condition.

Allele frequency attached by ClinVar (database versions not stated): ExAC 0.00002; gnomAD exomes 0.00002; TOPMed 0.00002; gnomAD 0.00005; ESP Exome Variant Server 0.00008.
gnomAD v4.1: 28 of 1,613,714 alleles (0.0017%); highest among the groups gnomAD compares: African/African-American, 0.0093%; no homozygotes.

Submissions (4):

Labcorp Genetics (formerly Invitae), Labcorp
Classification: Benign. Last evaluated: 2025-08-31. Review status: criteria provided, single submitter. Criteria: Invitae Variant Classification Sherloc (09022015). Collection method: clinical testing. Allele origin: germline.

Department of Pathology and Laboratory Medicine, Sinai Health System
Classification: Uncertain significance for Smith-Magenis syndrome. Last evaluated: 2021-08-24. Review status: criteria provided, single submitter. Criteria: ACMG Guidelines, 2015. Collection method: research. Allele origin: germline.

Ambry Genetics
Classification: Uncertain significance for Inborn genetic diseases. Last evaluated: 2018-07-23. Review status: criteria provided, single submitter. Criteria: Ambry Variant Classification Scheme 2023. Collection method: clinical testing. Allele origin: germline.
Comment: The p.A1345S variant (also known as c.4033G>T), located in coding exon 1 of the RAI1 gene, results from a G to T substitution at nucleotide position 4033. The alanine at codon 1345 is replaced by serine, an amino acid with similar properties. This amino acid position is not well conserved in available vertebrate species. In addition, this alteration is predicted to be tolerated by in silico analysis. Since supporting evidence is limited at this time, the clinical significance of this alteration remains unclear.

PreventionGenetics, part of Exact Sciences
Classification: Likely benign for RAI1-related condition. Last evaluated: 2024-08-19. Review status: no assertion criteria provided. Collection method: clinical testing. Allele origin: germline. Not counted in ClinVar's aggregate classification.
Comment: This variant is classified as likely benign based on ACMG/AMP sequence variant interpretation guidelines (Richards et al. 2015 PMID: 25741868, with internal and published modifications).

NM_030665.4(RAI1):c.4033G>T (p.Ala1345Ser)

Gene: RAI1 (retinoic acid induced 1; plus strand). Cytogenetic location: 17p11.2.
Variant type: single nucleotide variant.
Coding change: c.4033G>T on transcript NM_030665.4 (MANE Select); coding-DNA position 4033, G replaced by T.
Protein change: p.Ala1345Ser; replaces alanine 1345 with serine.
Molecular consequence: missense variant.
Genome position (GRCh38, 1-based): chr17:17,796,981, G>T. VCF-style: chr17-17796981-G-T. GRCh37 (hg19) VCF-style: chr17-17700295-G-T.
Other names: short protein forms A1345S.
Identifiers: ClinVar variation 1359520 (VCV001359520.12), dbSNP rs374370209, ClinGen allele CA8418880.